The following is an entry in ClinVar:

ClinVar aggregate classification (germline): Uncertain significance. Review status: criteria provided, multiple submitters, no conflicts (2 of 4 stars). 2 submissions from 2 submitters: Uncertain significance (2). Last evaluated 2024-06-30.

Conditions:
Hereditary cancer-predisposing syndrome. Also called: Neoplastic Syndromes, Hereditary; Hereditary neoplastic syndrome; Tumor predisposition; Hereditary Cancer Syndrome. Identifiers: Orphanet 140162, MedGen C0027672, MeSH D009386, MONDO:0015356.
Renal cell carcinoma. Identifiers: Orphanet 217071, MedGen C0007134, MeSH D002292, MONDO:0005086, HP:0005584.

Allele frequency attached by ClinVar (database versions not stated): gnomAD 0.00001.
gnomAD v4.1: 1 of 1,613,646 alleles (0.000062%); highest among the groups gnomAD compares: Non-Finnish European, 0.000085%; no homozygotes.

Submissions (2):

Ambry Genetics
Classification: Uncertain significance for Hereditary cancer-predisposing syndrome. Last evaluated: 2024-06-30. Review status: criteria provided, single submitter. Criteria: Ambry Variant Classification Scheme 2023. Collection method: clinical testing. Allele origin: germline.
Comment: The p.A991G variant (also known as c.2972C>G), located in coding exon 13 of the MET gene, results from a C to G substitution at nucleotide position 2972. The alanine at codon 991 is replaced by glycine, an amino acid with similar properties. This amino acid position is conserved. In addition, this alteration is predicted to be tolerated by in silico analysis. Based on the available evidence, the clinical significance of this variant remains unclear.

Labcorp Genetics (formerly Invitae), Labcorp
Classification: Uncertain significance for Renal cell carcinoma. Last evaluated: 2023-06-14. Review status: criteria provided, single submitter. Criteria: Invitae Variant Classification Sherloc (09022015). Collection method: clinical testing. Allele origin: germline.
Comment: In summary, the available evidence is currently insufficient to determine the role of this variant in disease. Therefore, it has been classified as a Variant of Uncertain Significance. An algorithm developed to predict the effect of missense changes on protein structure and function (PolyPhen-2) suggests that this variant is likely to be tolerated. This variant has not been reported in the literature in individuals affected with MET-related conditions. This variant is present in population databases (no rsID available, gnomAD no frequency). This sequence change replaces alanine, which is neutral and non-polar, with glycine, which is neutral and non-polar, at codon 991 of the MET protein (p.Ala991Gly).

NM_000245.4(MET):c.2918C>G (p.Ala973Gly)

Gene: MET (MET proto-oncogene, receptor tyrosine kinase; plus strand). Cytogenetic location: 7q31.2.
Variant type: single nucleotide variant.
Coding change: c.2918C>G on transcript NM_000245.4 (MANE Select); coding-DNA position 2918, C replaced by G.
Protein change: p.Ala973Gly; replaces alanine 973 with glycine.
Molecular consequence: missense variant.
Genome position (GRCh38, 1-based): chr7:116,771,879, C>G. VCF-style: chr7-116771879-C-G. GRCh37 (hg19) VCF-style: chr7-116411933-C-G.
Other names: c.2972C>G, p.Ala991Gly (NM_001127500.3); c.1628C>G, p.Ala543Gly (NM_001324402.2); short protein forms A543G, A973G, A991G.
Identifiers: ClinVar variation 2887839 (VCV002887839.4), dbSNP rs1256425988, ClinGen allele CA368987031.